The following is an entry in ClinVar:

ClinVar aggregate classification (germline): Uncertain significance. Review status: criteria provided, multiple submitters, no conflicts (2 of 4 stars). 4 submissions from 4 submitters: Uncertain significance (4). Last evaluated 2024-10-22.

Conditions:
Alagille syndrome due to a NOTCH2 point mutation. Also called: Alagille syndrome 2. Identifiers: Orphanet 261629, Orphanet 52, MedGen C1857761, MONDO:0012439, OMIM 610205.
Hajdu-Cheney syndrome (HJCYS). Also called: SERPENTINE FIBULA-POLYCYSTIC KIDNEY SYNDROME; ACROOSTEOLYSIS WITH OSTEOPOROSIS AND CHANGES IN SKULL AND MANDIBLE; Acroosteolysis dominant type. Identifiers: Orphanet 955, MedGen C0917715, MONDO:0007057, OMIM 102500.
NOTCH2-related disorder. Also called: NOTCH2-related condition.

Allele frequency attached by ClinVar (database versions not stated): gnomAD 0.00001; TOPMed 0.00001.
gnomAD v4.1: 20 of 1,614,048 alleles (0.0012%); highest among the groups gnomAD compares: Non-Finnish European, 0.0016%; no homozygotes.

Submissions (4):

PreventionGenetics, part of Exact Sciences
Classification: Uncertain significance for NOTCH2-related condition. Last evaluated: 2024-10-22. Review status: criteria provided, single submitter. Criteria: ACMG Guidelines, 2015. Collection method: clinical testing. Allele origin: germline.
Comment: The NOTCH2 c.2323C>G variant is predicted to result in the amino acid substitution p.Leu775Val. To our knowledge, this variant has not been reported in the literature or in a large population database (gnomAD), indicating this variant is rare. At this time, the clinical significance of this variant is uncertain due to the absence of conclusive functional and genetic evidence.

Labcorp Genetics (formerly Invitae), Labcorp
Classification: Uncertain significance for Hajdu-Cheney syndrome. Last evaluated: 2024-03-02. Review status: criteria provided, single submitter. Criteria: Invitae Variant Classification Sherloc (09022015). Collection method: clinical testing. Allele origin: germline.
Comment: This sequence change replaces leucine, which is neutral and non-polar, with valine, which is neutral and non-polar, at codon 775 of the NOTCH2 protein (p.Leu775Val). This variant is not present in population databases (gnomAD no frequency). This variant has not been reported in the literature in individuals affected with NOTCH2-related conditions. ClinVar contains an entry for this variant (Variation ID: 594772). Advanced modeling of protein sequence and biophysical properties (such as structural, functional, and spatial information, amino acid conservation, physicochemical variation, residue mobility, and thermodynamic stability) performed at Invitae indicates that this missense variant is not expected to disrupt NOTCH2 protein function with a negative predictive value of 80%. In summary, the available evidence is currently insufficient to determine the role of this variant in disease. Therefore, it has been classified as a Variant of Uncertain Significance.

Fulgent Genetics
Classification: Uncertain significance for Hajdu-Cheney syndrome; Alagille syndrome due to a NOTCH2 point mutation. Last evaluated: 2024-02-15. Review status: criteria provided, single submitter. Criteria: ACMG Guidelines, 2015. Collection method: clinical testing. Allele origin: germline.

Eurofins Ntd Llc (ga)
Classification: Uncertain significance. Last evaluated: 2017-10-30. Review status: criteria provided, single submitter. Criteria: EGL Classification Definitions 2015. Collection method: clinical testing. Allele origin: germline. Observed: 1 variant allele, 1 heterozygote.

NM_024408.4(NOTCH2):c.2323C>G (p.Leu775Val)

Gene: NOTCH2 (notch receptor 2; minus strand). Cytogenetic location: 1p12.
Variant type: single nucleotide variant.
Coding change: c.2323C>G on transcript NM_024408.4 (MANE Select); coding-DNA position 2323, C replaced by G.
Protein change: p.Leu775Val; replaces leucine 775 with valine.
Molecular consequence: missense variant.
Genome position (GRCh38, 1-based): chr1:119,953,585, G>C on the plus strand (C>G on the coding strand, the complement: NOTCH2 is on the minus strand). VCF-style: chr1-119953585-G-C. GRCh37 (hg19) VCF-style: chr1-120496208-G-C.
Other names: c.2323C>G, p.Leu775Val (NM_001200001.2); c.2323C>G (NM_024408.3); short protein forms L775V.
Identifiers: ClinVar variation 594772 (VCV000594772.13), dbSNP rs1230128244, ClinGen allele CA341864103.